The following is an entry in ClinVar:

ClinVar aggregate classification (germline): Uncertain significance. Review status: criteria provided, multiple submitters, no conflicts (2 of 4 stars). 6 submissions from 6 submitters: Uncertain significance (4). 2 of the submissions do not count toward it. Last evaluated 2025-07-12.

Conditions:
Rare genetic deafness. Identifiers: Orphanet 96210, MedGen C5680250.
CDH23-related disorder. Also called: CDH23-related condition; CDH23-related disorders.
Usher syndrome type 1 (USH1). Also called: RETINITIS PIGMENTOSA AND CONGENITAL DEAFNESS. Identifiers: Orphanet 231169, Orphanet 886, MedGen C1568247, MONDO:0010168, OMIM 276900.

Allele frequency attached by ClinVar (database versions not stated): gnomAD 0.00001; gnomAD exomes 0.00004 and 0.00005; ExAC 0.00005; TOPMed 0.00005; 1000 Genomes Project 0.00020; 1000 Genomes Project 30x 0.00031.
gnomAD v4.1: 74 of 1,611,490 alleles (0.0046%); highest among the groups gnomAD compares: Admixed American, 0.0067%; no homozygotes.

Submissions (6):

GeneDx
Classification: Uncertain significance. Last evaluated: 2025-07-12. Review status: criteria provided, single submitter. Criteria: GeneDx Variant Classification Process June 2021. Collection method: clinical testing. Allele origin: germline. Affected: yes.
Comment: In silico analysis suggests that this missense variant does not alter protein structure/function; Has not been previously published as pathogenic or benign to our knowledge

Labcorp Genetics (formerly Invitae), Labcorp
Classification: Uncertain significance. Last evaluated: 2024-08-28. Review status: criteria provided, single submitter. Criteria: Invitae Variant Classification Sherloc (09022015). Collection method: clinical testing. Allele origin: germline.
Comment: This sequence change replaces arginine, which is basic and polar, with tryptophan, which is neutral and slightly polar, at codon 702 of the CDH23 protein (p.Arg702Trp). This variant is present in population databases (rs528779319, gnomAD 0.006%). This variant has not been reported in the literature in individuals affected with CDH23-related conditions. ClinVar contains an entry for this variant (Variation ID: 179166). Invitae Evidence Modeling of protein sequence and biophysical properties (such as structural, functional, and spatial information, amino acid conservation, physicochemical variation, residue mobility, and thermodynamic stability) indicates that this missense variant is not expected to disrupt CDH23 protein function with a negative predictive value of 95%. In summary, the available evidence is currently insufficient to determine the role of this variant in disease. Therefore, it has been classified as a Variant of Uncertain Significance.

Blueprint Genetics
Classification: Uncertain significance. Last evaluated: 2023-03-16. Review status: criteria provided, single submitter. Criteria: ACMG Guidelines, 2015. Collection method: clinical testing. Allele origin: germline.

Laboratory for Molecular Medicine, Mass General Brigham Personalized Medicine
Classification: Uncertain significance for Rare genetic deafness. Last evaluated: 2022-12-01. Review status: criteria provided, single submitter. Criteria: ACMG Guidelines, 2015. Collection method: clinical testing. Allele origin: germline.
Comment: The p.Arg702Trp variant in CDH23 has been previously reported in one individual with autosomal recessive nonsyndromic hearing loss who carried causative variants in another gene (LMM unpublished data), and has been identified in 0.002% (1/41436) African/African American chromosomes by gnomAD (v3.1.2). However, this frequency is low enough to be consistent with a recessive allele frequency. This variant has also been reported in ClinVar (Variation ID 179166). Computational prediction tools and conservation analyses do not provide strong support for or against an impact to the protein. In summary, the clinical significance of this variant is uncertain. ACMG/AMP Criteria applied: PM2_Supporting.

PreventionGenetics, part of Exact Sciences
Classification: Uncertain significance for CDH23-related condition. Last evaluated: 2024-08-29. Review status: no assertion criteria provided. Collection method: clinical testing. Allele origin: germline. Not counted in ClinVar's aggregate classification.
Comment: The CDH23 c.2104C>T variant is predicted to result in the amino acid substitution p.Arg702Trp. To our knowledge, this variant has not been reported in the literature. This variant is reported in 0.0088% of alleles in individuals of Latino descent in gnomAD. At this time, the clinical significance of this variant is uncertain due to the absence of conclusive functional and genetic evidence.

Natera, Inc.
Classification: Uncertain significance for Usher syndrome type 1. Last evaluated: 2020-04-15. Review status: no assertion criteria provided. Collection method: clinical testing. Allele origin: germline. Not counted in ClinVar's aggregate classification.

NM_022124.6(CDH23):c.2104C>T (p.Arg702Trp)

Gene: CDH23 (cadherin related 23; plus strand). Cytogenetic location: 10q22.1.
Variant type: single nucleotide variant.
Coding change: c.2104C>T on transcript NM_022124.6 (MANE Select); coding-DNA position 2104, C replaced by T.
Protein change: p.Arg702Trp; replaces arginine 702 with tryptophan.
Molecular consequence: missense variant.
Genome position (GRCh38, 1-based): chr10:71,690,512, C>T. VCF-style: chr10-71690512-C-T. GRCh37 (hg19) VCF-style: chr10-73450269-C-T.
Other names: c.2104C>T, p.Arg702Trp (NM_001171930.2, NM_001171931.2); short protein forms R702W.
Identifiers: ClinVar variation 179166 (VCV000179166.14), dbSNP rs528779319, ClinGen allele CA183853.